The following is an entry in ClinVar:

ClinVar aggregate classification (germline): Uncertain significance (1 of 4 stars; one submission).

Submission:

Labcorp Genetics (formerly Invitae), Labcorp
Classification: Uncertain significance. Last evaluated: 2021-04-23. Review status: criteria provided, single submitter. Criteria: Invitae Variant Classification Sherloc (09022015). Collection method: clinical testing. Allele origin: germline.
Comment: In summary, the available evidence is currently insufficient to determine the role of this variant in disease. Therefore, it has been classified as a Variant of Uncertain Significance. Advanced modeling of protein sequence and biophysical properties (such as structural, functional, and spatial information, amino acid conservation, physicochemical variation, residue mobility, and thermodynamic stability) performed at Invitae indicates that this missense variant is not expected to disrupt COL11A1 protein function. This variant has not been reported in the literature in individuals with COL11A1-related conditions. This variant is not present in population databases (ExAC no frequency). This sequence change replaces glutamic acid with aspartic acid at codon 292 of the COL11A1 protein (p.Glu292Asp). The glutamic acid residue is weakly conserved and there is a small physicochemical difference between glutamic acid and aspartic acid.

NM_001854.4(COL11A1):c.876G>T (p.Glu292Asp)

Gene: COL11A1 (collagen type XI alpha 1 chain; minus strand). Cytogenetic location: 1p21.1.
Variant type: single nucleotide variant.
Coding change: c.876G>T on transcript NM_001854.4 (MANE Select); coding-DNA position 876, G replaced by T.
Protein change: p.Glu292Asp; replaces glutamic acid 292 with aspartic acid.
Molecular consequence: missense variant. On other transcripts: non-coding transcript variant (1), intron variant (2).
Genome position (GRCh38, 1-based): chr1:103,026,237, C>A on the plus strand (G>T on the coding strand, the complement: COL11A1 is on the minus strand). VCF-style: chr1-103026237-C-A. GRCh37 (hg19) VCF-style: chr1-103491793-C-A.
Other names: c.876G>T, p.Glu292Asp (NM_080630.4); c.781-624G>T (NM_001190709.2); c.781-285G>T (NM_080629.3); short protein forms E292D.
Identifiers: ClinVar variation 1347709 (VCV001347709.8), dbSNP rs768795702, ClinGen allele CA341156967.